The following is an entry in ClinVar:

NM_004655.4(AXIN2):c.549G>A (p.Glu183=)

Gene: AXIN2 (axin 2; minus strand). Cytogenetic location: 17q24.1.
Variant type: single nucleotide variant.
Coding change: c.549G>A on transcript NM_004655.4 (MANE Select); coding-DNA position 549, G replaced by A.
Protein change: p.Glu183=; no amino-acid change (glutamic acid 183 retained).
Molecular consequence: synonymous variant.
Genome position (GRCh38, 1-based): chr17:65,558,072, C>T on the plus strand (G>A on the coding strand, the complement: AXIN2 is on the minus strand). VCF-style: chr17-65558072-C-T. GRCh37 (hg19) VCF-style: chr17-63554190-C-T.
Other names: c.549G>A (LRG_296t1); c.549G>A, p.Glu183= (NM_001363813.1).
Identifiers: ClinVar variation 240025 (VCV000240025.27), dbSNP rs370765600, ClinGen allele CA8719037.
Genomic context (GRCh38, chr17:65,558,072, plus strand): 5'-CCCACTCCTCACATATTCGAGGTATATATCAGAAGTCAAAAACATCTGGTAGGCATTTTC[C>T]TCCATCACCGACTGGATCTCGGTCTGCGCCTGGTCAAACATGATGGAATCAATCTGCTGC-3'
Protein context (NP_004646.3, residues 173-193): QAQTEIQSVM[Glu183=]ENAYQMFLTS

ClinVar aggregate classification (germline): Conflicting classifications of pathogenicity. Review status: criteria provided, conflicting classifications (1 of 4 stars). 7 submissions from 7 submitters: Uncertain significance (1); Benign (1); Likely benign (5). Last evaluated 2026-01-26.

Conditions:
AXIN2-related disorder.
Hereditary cancer-predisposing syndrome. Also called: Neoplastic Syndromes, Hereditary; Hereditary neoplastic syndrome; Hereditary Cancer Syndrome; Tumor predisposition. Identifiers: Orphanet 140162, MedGen C0027672, MeSH D009386, MONDO:0015356.
Oligodontia-cancer predisposition syndrome. Also called: TOOTH AGENESIS-COLORECTAL CANCER SYNDROME. Identifiers: Orphanet 300576, MedGen C1837750, MONDO:0012075, OMIM 608615. Disease mechanism: loss of function.

Allele frequency attached by ClinVar (database versions not stated): ExAC 0.00004; gnomAD 0.00004 and 0.00003; TOPMed 0.00004; gnomAD exomes 0.00020 and 0.00003.
gnomAD v4.1: 284 of 1,614,042 alleles (0.018%); highest among the groups gnomAD compares: Non-Finnish European, 0.024%; no homozygotes.

Submissions (7):

Labcorp Genetics (formerly Invitae), Labcorp
Classification: Likely benign for Oligodontia-cancer predisposition syndrome. Last evaluated: 2026-01-26. Review status: criteria provided, single submitter. Criteria: Invitae Variant Classification Sherloc (09022015). Collection method: clinical testing. Allele origin: germline.

Quest Diagnostics Nichols Institute San Juan Capistrano
Classification: Uncertain significance. Last evaluated: 2025-03-31. Review status: criteria provided, single submitter. Criteria: Quest Diagnostics criteria. Collection method: clinical testing. Allele origin: unknown.
Comment: The AXIN2 c.549G>A (p.Glu183=) synonymous variant has not been reported in individuals with AXIN2-related conditions in the published literature. The frequency of this variant in the general population (Genome Aggregation Database) is uninformative in the assessment of its pathogenicity. Analysis of this variant using software algorithms for the prediction of the effect of nucleotide changes on splicing yielded predictions that this variant does not affect AXIN2 mRNA splicing. Based on the available information, we are unable to determine the clinical significance of this variant.

Center for Genomic Medicine, Rigshospitalet, Copenhagen University Hospital
Classification: Likely benign. Last evaluated: 2025-03-04. Review status: criteria provided, single submitter. Criteria: ACMG Guidelines, 2015. Collection method: clinical testing. Allele origin: germline.

PreventionGenetics, part of Exact Sciences
Classification: Likely benign for AXIN2-related condition. Last evaluated: 2025-02-14. Review status: criteria provided, single submitter. Criteria: ACMG Guidelines, 2015. Collection method: clinical testing. Allele origin: germline.
Comment: This variant is classified as likely benign based on ACMG/AMP sequence variant interpretation guidelines (Richards et al. 2015 PMID: 25741868, with internal and published modifications).

Myriad Genetics, Inc.
Classification: Benign for Oligodontia-cancer predisposition syndrome. Last evaluated: 2024-06-26. Review status: criteria provided, single submitter. Criteria: Myriad Autosomal Dominant, Autosomal Recessive and X-Linked Classification Criteria (2023). Collection method: clinical testing. Allele origin: unknown.
Comment: This variant is considered benign. This variant is a silent/synonymous amino acid change and it is not expected to impact splicing.

GeneDx
Classification: Likely benign. Last evaluated: 2019-03-26. Review status: criteria provided, single submitter. Criteria: GeneDx Variant Classification Process June 2021. Collection method: clinical testing. Allele origin: germline. Affected: yes.

Ambry Genetics
Classification: Likely benign for Hereditary cancer-predisposing syndrome. Last evaluated: 2019-01-03. Review status: criteria provided, single submitter. Criteria: Ambry Variant Classification Scheme 2023. Collection method: clinical testing. Allele origin: germline.